The following is an entry in ClinVar:

NM_001330260.2(SCN8A):c.1985G>T (p.Arg662Leu)

Gene: SCN8A (sodium voltage-gated channel alpha subunit 8; plus strand). Cytogenetic location: 12q13.13.
Variant type: single nucleotide variant.
Coding change: c.1985G>T on transcript NM_001330260.2 (MANE Select); coding-DNA position 1985, G replaced by T.
Protein change: p.Arg662Leu; replaces arginine 662 with leucine.
Molecular consequence: missense variant.
Genome position (GRCh38, 1-based): chr12:51,721,895, G>T. VCF-style: chr12-51721895-G-T. GRCh37 (hg19) VCF-style: chr12-52115679-G-T.
Other names: c.1985G>T, p.Arg662Leu (NM_001177984.3, NM_001369788.1, NM_014191.4); short protein forms R662L.
Identifiers: ClinVar variation 1497692 (VCV001497692.9), dbSNP rs776013286, ClinGen allele CA236267014.
Genomic context (GRCh38, chr12:51,721,895, plus strand): 5'-CGGTGGACTGCAACGGCGTGGTGTCCCTCATCGGCGGCCCCGGCTCCCACATCGGCGGGC[G>T]TCTCCTGCCAGAGGTGAAAATTGATAAGGCAGCTACCGATGACAGTGTAAGGAAGAACAC-3'
Protein context (NP_001317189.1, residues 652-672): IGGPGSHIGG[Arg662Leu]LLPEATTEVE

ClinVar aggregate classification (germline): Uncertain significance (1 of 4 stars; one submission).

Conditions:
Early-infantile DEE. Also called: Early infantile epileptic encephalopathy; Early infantile epileptic encephalopathy with suppression bursts; Ohtahara syndrome. Identifiers: Orphanet 1934, MedGen C0393706, MONDO:0800491.

Submission:

Labcorp Genetics (formerly Invitae), Labcorp
Classification: Uncertain significance for Early-infantile DEE. Last evaluated: 2025-11-09. Review status: criteria provided, single submitter. Criteria: Invitae Variant Classification Sherloc (09022015). Collection method: clinical testing. Allele origin: germline.
Comment: This sequence change replaces arginine, which is basic and polar, with leucine, which is neutral and non-polar, at codon 662 of the SCN8A protein (p.Arg662Leu). This variant is not present in population databases (gnomAD no frequency). This variant has not been reported in the literature in individuals affected with SCN8A-related conditions. ClinVar contains an entry for this variant (Variation ID: 1497692). Invitae Evidence Modeling of protein sequence and biophysical properties (such as structural, functional, and spatial information, amino acid conservation, physicochemical variation, residue mobility, and thermodynamic stability) indicates that this missense variant is not expected to disrupt SCN8A protein function with a negative predictive value of 95%. In summary, the available evidence is currently insufficient to determine the role of this variant in disease. Therefore, it has been classified as a Variant of Uncertain Significance.